The following is an entry in ClinVar:

NM_020433.5(JPH2):c.931G>A (p.Gly311Ser)

Gene: JPH2 (junctophilin 2; minus strand). Cytogenetic location: 20q13.12.
Variant type: single nucleotide variant.
Coding change: c.931G>A on transcript NM_020433.5 (MANE Select); coding-DNA position 931, G replaced by A.
Protein change: p.Gly311Ser; replaces glycine 311 with serine.
Molecular consequence: missense variant.
Genome position (GRCh38, 1-based): chr20:44,159,856, C>T on the plus strand (G>A on the coding strand, the complement: JPH2 is on the minus strand). VCF-style: chr20-44159856-C-T. GRCh37 (hg19) VCF-style: chr20-42788496-C-T.
Other names: short protein forms G311S.
Identifiers: ClinVar variation 2544449 (VCV002544449.6), dbSNP rs563382652, ClinGen allele CA9868786.

ClinVar aggregate classification (germline): Uncertain significance. Review status: criteria provided, multiple submitters, no conflicts (2 of 4 stars). 2 submissions from 2 submitters: Uncertain significance (2). Last evaluated 2025-01-19.

Conditions:
Hypertrophic cardiomyopathy. Also called: HYPERTROPHIC MYOCARDIOPATHY. Identifiers: Orphanet 217569, MedGen C0007194, MeSH D002312, MONDO:0005045, HP:0001639.
Cardiovascular phenotype. Identifiers: MedGen CN230736.

Allele frequency attached by ClinVar (database versions not stated): ExAC 0.00001; gnomAD exomes 0.00001; TOPMed 0.00001; 1000 Genomes Project 0.00020; 1000 Genomes Project 30x 0.00031.
gnomAD v4.1: 8 of 1,613,560 alleles (0.0005%); highest among the groups gnomAD compares: Non-Finnish European, 0.00068%; no homozygotes.

Submissions (2):

Ambry Genetics
Classification: Uncertain significance for Cardiovascular phenotype. Last evaluated: 2025-01-19. Review status: criteria provided, single submitter. Criteria: Ambry Variant Classification Scheme 2023. Collection method: clinical testing. Allele origin: germline.
Comment: The p.G311S variant (also known as c.931G>A), located in coding exon 2 of the JPH2 gene, results from a G to A substitution at nucleotide position 931. The glycine at codon 311 is replaced by serine, an amino acid with similar properties. This amino acid position is conserved. In addition, the in silico prediction for this alteration is inconclusive. Based on the available evidence, the clinical significance of this variant remains unclear.

Labcorp Genetics (formerly Invitae), Labcorp
Classification: Uncertain significance for Hypertrophic cardiomyopathy. Last evaluated: 2023-09-28. Review status: criteria provided, single submitter. Criteria: Invitae Variant Classification Sherloc (09022015). Collection method: clinical testing. Allele origin: germline.
Comment: In summary, the available evidence is currently insufficient to determine the role of this variant in disease. Therefore, it has been classified as a Variant of Uncertain Significance. An algorithm developed to predict the effect of missense changes on protein structure and function (PolyPhen-2) suggests that this variant is likely to be disruptive. ClinVar contains an entry for this variant (Variation ID: 2544449). This variant has not been reported in the literature in individuals affected with JPH2-related conditions. The frequency data for this variant in the population databases is considered unreliable, as metrics indicate poor data quality at this position in the gnomAD database. This sequence change replaces glycine, which is neutral and non-polar, with serine, which is neutral and polar, at codon 311 of the JPH2 protein (p.Gly311Ser).